The following is an entry in ClinVar:

NM_001190274.2(FBXO11):c.1214T>C (p.Ile405Thr)

Gene: FBXO11 (F-box protein 11; minus strand). Cytogenetic location: 2p16.3.
Variant type: single nucleotide variant.
Coding change: c.1214T>C on transcript NM_001190274.2 (MANE Select); coding-DNA position 1214, T replaced by C.
Protein change: p.Ile405Thr; replaces isoleucine 405 with threonine.
Molecular consequence: missense variant.
Genome position (GRCh38, 1-based): chr2:47,832,618, A>G on the plus strand (T>C on the coding strand, the complement: FBXO11 is on the minus strand). VCF-style: chr2-47832618-A-G. GRCh37 (hg19) VCF-style: chr2-48059757-A-G.
Other names: c.962T>C, p.Ile321Thr (NM_001374325.1, NM_025133.4); short protein forms I405T, I321T.
Identifiers: ClinVar variation 2052121 (VCV002052121.4), dbSNP rs2531191057, ClinGen allele CA346765597.

ClinVar aggregate classification (germline): Uncertain significance (1 of 4 stars; one submission).

Allele frequency attached by ClinVar (database versions not stated): gnomAD exomes below 0.00001.
gnomAD v4.1: 1 of 1,613,934 alleles (0.000062%); highest among the groups gnomAD compares: Non-Finnish European, 0.000085%; no homozygotes.

Submission:

Labcorp Genetics (formerly Invitae), Labcorp
Classification: Uncertain significance. Last evaluated: 2023-08-17. Review status: criteria provided, single submitter. Criteria: Invitae Variant Classification Sherloc (09022015). Collection method: clinical testing. Allele origin: germline.
Comment: ClinVar contains an entry for this variant (Variation ID: 2052121). This variant has not been reported in the literature in individuals affected with FBXO11-related conditions. This variant is not present in population databases (gnomAD no frequency). This sequence change replaces isoleucine, which is neutral and non-polar, with threonine, which is neutral and polar, at codon 405 of the FBXO11 protein (p.Ile405Thr). An algorithm developed to predict the effect of missense changes on protein structure and function (PolyPhen-2) suggests that this variant is likely to be disruptive. In summary, the available evidence is currently insufficient to determine the role of this variant in disease. Therefore, it has been classified as a Variant of Uncertain Significance.